The following is an entry in ClinVar:

NM_000245.4(MET):c.1119C>T (p.Phe373=)

Gene: MET (MET proto-oncogene, receptor tyrosine kinase; plus strand). Cytogenetic location: 7q31.2.
Variant type: single nucleotide variant.
Coding change: c.1119C>T on transcript NM_000245.4 (MANE Select); coding-DNA position 1119, C replaced by T.
Protein change: p.Phe373=; no amino-acid change (phenylalanine 373 retained).
Molecular consequence: synonymous variant. On other transcripts: intron variant (1).
Genome position (GRCh38, 1-based): chr7:116,700,203, C>T. VCF-style: chr7-116700203-C-T. GRCh37 (hg19) VCF-style: chr7-116340257-C-T.
Other names: c.1119C>T, p.Phe373= (NM_001127500.3, NM_001324401.3); c.-91+27626C>T (NM_001324402.2).
Identifiers: ClinVar variation 3773142 (VCV003773142.1).
Genomic context (GRCh38, chr7:116,700,203, plus strand): 5'-TGCCGAACCAATGGATCGATCTGCCATGTGTGCATTCCCTATCAAATATGTCAACGACTT[C>T]TTCAACAAGATCGTCAACAAAAACAATGTGAGATGTCTCCAGCATTTTTACGGACCCAAT-3'
Protein context (NP_000236.2, residues 363-383): CAFPIKYVND[Phe373=]FNKIVNKNNV

ClinVar aggregate classification (germline): Benign (1 of 4 stars; one submission).

Conditions:
Papillary renal cell carcinoma type 1 (RCCP1). Also called: Renal adenocarcinoma; Renal cell carcinoma 1; Renal cell carcinoma, somatic; RENAL CELL CARCINOMA, PAPILLARY, 1, SOMATIC. Identifiers: Orphanet 47044, MedGen C1336839, OMIM 605074, HP:0011797.

Submission:

Myriad Genetics, Inc.
Classification: Benign for Papillary renal cell carcinoma type 1. Last evaluated: 2024-11-07. Review status: criteria provided, single submitter. Criteria: Myriad Autosomal Dominant, Autosomal Recessive and X-Linked Classification Criteria (2023). Collection method: clinical testing. Allele origin: unknown.
Comment: This variant is considered benign. This variant is a silent/synonymous amino acid change and it is not expected to impact splicing.